The following is an entry in ClinVar:

NM_004544.4(NDUFA10):c.670-3T>A

Gene: NDUFA10 (NADH:ubiquinone oxidoreductase subunit A10; minus strand). Cytogenetic location: 2q37.3.
Variant type: single nucleotide variant.
Coding change: c.670-3T>A on transcript NM_004544.4 (MANE Select); 3 bases into the intron before coding-DNA position 670, T replaced by A.
Molecular consequence: intron variant. On other transcripts: non-coding transcript variant (4).
Genome position (GRCh38, 1-based): chr2:240,011,699, A>T on the plus strand (T>A on the coding strand, the complement: NDUFA10 is on the minus strand). VCF-style: chr2-240011699-A-T. GRCh37 (hg19) VCF-style: chr2-240951116-A-T.
Other names: c.670-3T>A (NM_001322020.2, NM_001410987.1, NM_001322019.2).
Identifiers: ClinVar variation 3364853 (VCV003364853.1).

ClinVar aggregate classification (germline): Uncertain significance (1 of 4 stars; one submission).

gnomAD v4.1: 1 of 1,609,292 alleles (0.000062%); highest among the groups gnomAD compares: Non-Finnish European, 0.000085%; no homozygotes.

Submission:

GeneDx
Classification: Uncertain significance. Last evaluated: 2023-11-27. Review status: criteria provided, single submitter. Criteria: GeneDx Variant Classification Process June 2021. Collection method: clinical testing. Allele origin: germline. Affected: yes.
Comment: Not observed at significant frequency in large population cohorts (gnomAD); In silico analysis supports a deleterious effect on splicing; Has not been previously published as pathogenic or benign to our knowledge